The following is an entry in ClinVar:

ClinVar aggregate classification (germline): Pathogenic. Review status: criteria provided, multiple submitters, no conflicts (2 of 4 stars). 8 submissions from 8 submitters: Pathogenic (7). 1 of the submissions does not count toward it. Last evaluated 2026-03-30.

Conditions:
Niemann-Pick disease, type C1. Also called: NIEMANN-PICK DISEASE, VARIANT TYPE C1; NEUROVISCERAL STORAGE DISEASE WITH VERTICAL SUPRANUCLEAR OPHTHALMOPLEGIA; NIEMANN-PICK DISEASE WITH CHOLESTEROL ESTERIFICATION BLOCK; NIEMANN-PICK DISEASE WITHOUT SPHINGOMYELINASE DEFICIENCY; NIEMANN-PICK DISEASE, CHRONIC NEURONOPATHIC FORM. Identifiers: Orphanet 646, MedGen C3179455, MONDO:0009757, OMIM 257220.
Inborn genetic diseases. Identifiers: MedGen C0950123, MeSH D030342.
Autosomal recessive NPC1-related disorders.
Niemann-Pick disease, type C (NPC). Identifiers: Orphanet 646, MedGen C0220756, MONDO:0018982.

gnomAD v4.1: 2 of 1,612,268 alleles (0.00012%); highest among the groups gnomAD compares: Admixed American, 0.0017%; no homozygotes.

Submissions (8):

Victorian Clinical Genetics Services, Murdoch Childrens Research Institute
Classification: Pathogenic for Niemann-Pick disease, type C1. Last evaluated: 2026-03-30. Review status: criteria provided, single submitter. Criteria: ACMG Guidelines, 2015. Collection method: clinical testing. Allele origin: germline. Affected: no.
Comment: This variant is classified as Pathogenic. Evidence in support of pathogenic classification: Variant is predicted to cause nonsense-mediated decay (NMD) and loss of protein (premature termination codon is located at least 54 nucleotides upstream of the final exon-exon junction); Variant is present in gnomAD <0.01 for a recessive condition (v4: 2 heterozygote(s), 0 homozygote(s)). - This variant has strong previous evidence of pathogenicity in unrelated individuals. This variant has been classified as pathogenic by multiple clinical laboratories in ClinVar; Other NMD-predicted variant(s) comparable to the one identified in this case have very strong previous evidence for pathogenicity (DECIPHER). Additional information: This variant is heterozygous; This gene is associated with autosomal recessive disease; Loss of function is a known mechanism of disease in this gene and is associated with Niemann-Pick disease, type C1 (MIM#257220).

Variantyx, Inc.
Classification: Pathogenic for Autosomal recessive NPC1-related disorders. Last evaluated: 2025-08-13. Review status: criteria provided, single submitter. Criteria: Variantyx Assertion Criteria 2022. Collection method: clinical testing. Allele origin: germline. Inheritance: Autosomal recessive inheritance. Affected: no.
Comment: This is a nonsense variant in the NPC1 gene (OMIM: 607623). Pathogenic variants in this gene have been associated with autosomal recessive NPC1-related disorders. This variant introduces a premature termination codon in exon 12 out of 25 and is expected to result in loss of function, which is a known disease mechanism for NPC1 in these disorders (PMID: 11754101, 32138288) (PVS1). This variant has been identified in the homozygous or compound heterozygous state in at least 2 individuals reported in the published literature (PMID: 11754101, 32138288) (PM3). It has a 0.0017% maximum allele frequency in non-founder control populations (PM2). Based on the current evidence, this variant is classified as pathogenic for autosomal recessive NPC1-related disorders.

Foundation for Research in Genetics and Endocrinology, FRIGE's Institute of Human Genetics
Classification: Pathogenic for Niemann-Pick disease, type C1. Last evaluated: 2025-02-20. Review status: criteria provided, single submitter. Criteria: ACMG Guidelines, 2015. Collection method: clinical testing. Allele origin: germline. Inheritance: Autosomal recessive inheritance. Affected: yes. Observed: 1 homozygote.
Comment: A homozygous nonsense variant in NPC1 gene that results in a stop codon and premature truncation of the protein at codon 607 was detected. This variant has not been reported in the 1000 genomes and has a MAF of 0.0032% in the gnomAD databases. The in-silico prediction of the variant is damaging by MutationTaster2 and DANN. In summary, the variant meets our criteria to be classified as pathogenic

Labcorp Genetics (formerly Invitae), Labcorp
Classification: Pathogenic for Niemann-Pick disease, type C1. Last evaluated: 2024-10-05. Review status: criteria provided, single submitter. Criteria: Invitae Variant Classification Sherloc (09022015). Collection method: clinical testing. Allele origin: germline.
Comment: This sequence change creates a premature translational stop signal (p.Arg607*) in the NPC1 gene. It is expected to result in an absent or disrupted protein product. Loss-of-function variants in NPC1 are known to be pathogenic (PMID: 9211850). This variant is present in population databases (no rsID available, gnomAD 0.1%). This premature translational stop signal has been observed in individual(s) with Niemann-Pick type C (PMID: 11754101, 32138288). In at least one individual the data is consistent with being in trans (on the opposite chromosome) from a pathogenic variant. ClinVar contains an entry for this variant (Variation ID: 265495). For these reasons, this variant has been classified as Pathogenic.

Ambry Genetics
Classification: Pathogenic for Inborn genetic diseases. Last evaluated: 2021-05-18. Review status: criteria provided, single submitter. Criteria: Ambry Variant Classification Scheme 2023. Collection method: clinical testing. Allele origin: germline.
Comment: The c.1819C>T (p.R607*) alteration, located in coding exon 12 of the NPC1 gene, results from a C to T substitution at nucleotide position 1819. This changes the amino acid from an arginine (R) to a stop codon at amino acid position 607. This alteration is expected to result in loss of function by premature protein truncation or nonsense-mediated mRNA decay. Based on data from the Genome Aggregation Database (gnomAD) database, the NPC1 c.1819C>T alteration was observed in 0.003% (1/31,382) of total alleles studied, with a frequency of 0.12% (1/848) in the Latino subpopulation. This alteration has been reported in a patient with Niemann-Pick type C based on filipin staining of cholesterol and bone marrow cytology (Bauer, 2002). Parental testing confirmed that the alteration was in trans with a >23 kb deletion in NPC1. Based on the available evidence, this alteration is classified as pathogenic.

Women's Health and Genetics/Laboratory Corporation of America, LabCorp
Classification: Pathogenic for Niemann-Pick disease, type C. Last evaluated: 2017-08-02. Review status: criteria provided, single submitter. Criteria: LabCorp Variant Classification Summary - May 2015. Collection method: clinical testing. Allele origin: germline.
Comment: Variant summary: The c.1819C>T (p.Arg607*) variant in NPC1 gene is a nonsense change that results in the loss of the 677 amino acids of the protein (~52%). This change is predicted to cause loss of normal protein function through protein truncation or nonsense-mediated mRNA decay and truncated protein that would be translated from this allele was not detected by western blot (Zampieri, 2013). The variant is absent from in the large control population dataset of ExAC (121384 chrs tested). The variant has been identified in compound heterozygosity with known pathogenic alleles in several affected individuals presented with the classical biochemical phenotype NPC-1 characterized by massive lysosomal/ LE accumulation of unesterified cholesterol in cultured fibroblasts. Taken together, the variant was classified as Pathogenic.

GeneDx
Classification: Pathogenic. Last evaluated: 2015-12-17. Review status: criteria provided, single submitter. Criteria: GeneDx Variant Classification (06012015). Collection method: clinical testing. Allele origin: germline. Affected: yes.
Comment: The R607X pathogenic variant in the NPC1 gene has been reported previously in association with Niemann-Pick Disease Type C, in an affected individual who was compound heterozygous for the R607X pathogenic variant and another variant (Bauer et al., 2002). This variant is predicted to cause loss of normal protein function either through protein truncation or nonsense-mediated mRNA decay. The R607X variant was not observed in approximately 6,500 individuals of European and African American ancestry in the NHLBI Exome Sequencing Project, indicating it is not a common benign variant in these populations. We interpret R607X as a pathogenic variant.

Natera, Inc.
Classification: Pathogenic for Niemann-Pick disease type C1. Last evaluated: 2020-09-16. Review status: no assertion criteria provided. Collection method: clinical testing. Allele origin: germline. Not counted in ClinVar's aggregate classification.

Literature cited by the submitters: PubMed 11754101 (cited by 4 submitters); PubMed 32138288 (cited by Variantyx, Inc. and Labcorp Genetics (formerly Invitae), Labcorp); PubMed 9211850 (cited by Labcorp Genetics (formerly Invitae), Labcorp); PubMed 23430855 (cited by Women's Health and Genetics/Laboratory Corporation of America, LabCorp); PubMed 19252935 (cited by Women's Health and Genetics/Laboratory Corporation of America, LabCorp).

NM_000271.5(NPC1):c.1819C>T (p.Arg607Ter)

Gene: NPC1 (NPC intracellular cholesterol transporter 1; minus strand). Cytogenetic location: 18q11.2.
Variant type: single nucleotide variant.
Coding change: c.1819C>T on transcript NM_000271.5 (MANE Select); coding-DNA position 1819, C replaced by T.
Protein change: p.Arg607Ter; replaces arginine 607 with a stop codon.
Molecular consequence: nonsense.
Genome position (GRCh38, 1-based): chr18:23,545,088, G>A on the plus strand (C>T on the coding strand, the complement: NPC1 is on the minus strand). VCF-style: chr18-23545088-G-A. GRCh37 (hg19) VCF-style: chr18-21125052-G-A.
Other names: p.Arg607Ter; short protein forms R607*.
Identifiers: ClinVar variation 265495 (VCV000265495.15), dbSNP rs377130051, ClinGen allele CA10588676.